The following is an entry in ClinVar:

ClinVar aggregate classification (germline): Likely benign (1 of 4 stars; one submission).

Allele frequency attached by ClinVar (database versions not stated): 1000 Genomes Project 0.00060; 1000 Genomes Project 30x 0.00062; ExAC 0.00115; gnomAD 0.00115; TOPMed 0.00122; ESP Exome Variant Server 0.00149; gnomAD exomes 0.00167.
gnomAD v4.1: 2,614 of 1,612,492 alleles (0.16%); highest among the groups gnomAD compares: Non-Finnish European, 0.19%; 3 homozygotes.

Submission:

CeGaT Center for Human Genetics Tuebingen
Classification: Likely benign. Last evaluated: 2025-01-01. Review status: criteria provided, single submitter. Criteria: CeGaT Center For Human Genetics Tuebingen Variant Classification Criteria Version 2. Collection method: clinical testing. Allele origin: germline. Affected: yes. Observed: 2 variant alleles.
Comment: DNAH7: BP4, BP7

NM_018897.3(DNAH7):c.10278C>T (p.Cys3426=)

Gene: DNAH7 (dynein axonemal heavy chain 7; minus strand). Cytogenetic location: 2q32.3.
Variant type: single nucleotide variant.
Coding change: c.10278C>T on transcript NM_018897.3 (MANE Select); coding-DNA position 10278, C replaced by T.
Protein change: p.Cys3426=; no amino-acid change (cysteine 3426 retained).
Molecular consequence: synonymous variant.
Genome position (GRCh38, 1-based): chr2:195,799,371, G>A on the plus strand (C>T on the coding strand, the complement: DNAH7 is on the minus strand). VCF-style: chr2-195799371-G-A. GRCh37 (hg19) VCF-style: chr2-196664095-G-A.
Identifiers: ClinVar variation 2651773 (VCV002651773.24), dbSNP rs199671568, ClinGen allele CA2034114.